The following is an entry in ClinVar:

ClinVar aggregate classification (germline): Benign. Review status: criteria provided, multiple submitters, no conflicts (2 of 4 stars). 5 submissions from 5 submitters: Benign (5). Last evaluated 2026-01-26.

Conditions:
Parietal foramina 2 (PFM2). Identifiers: Orphanet 60015, MedGen C1865044, MONDO:0012309, OMIM 609597.

Allele frequency attached by ClinVar (database versions not stated): 1000 Genomes Project 0.05871; 1000 Genomes Project 30x 0.05981; ExAC 0.08934; gnomAD 0.09904 and 0.10227; TOPMed 0.10020; ESP Exome Variant Server 0.10166.
gnomAD v4.1: 170,990 of 1,614,110 alleles (11%); highest among the groups gnomAD compares: Middle Eastern, 19%; 10,043 homozygotes.

Submissions (5):

Labcorp Genetics (formerly Invitae), Labcorp
Classification: Benign. Last evaluated: 2026-01-26. Review status: criteria provided, single submitter. Criteria: Invitae Variant Classification Sherloc (09022015). Collection method: clinical testing. Allele origin: germline.

Blueprint Genetics
Classification: Benign. Last evaluated: 2024-11-27. Review status: criteria provided, single submitter. Criteria: ACMG Guidelines, 2015. Collection method: clinical testing. Allele origin: germline.

GeneDx
Classification: Benign. Last evaluated: 2018-10-01. Review status: criteria provided, single submitter. Criteria: GeneDx Variant Classification Process June 2021. Collection method: clinical testing. Allele origin: germline. Affected: yes.

Illumina Laboratory Services, Illumina
Classification: Benign for Parietal foramina 2. Last evaluated: 2018-01-13. Review status: criteria provided, single submitter. Criteria: ICSL Variant Classification Criteria 13 December 2019. Collection method: clinical testing. Allele origin: germline.
Comment: This variant was observed in the ICSL laboratory as part of a predisposition screen in an ostensibly healthy population. It had not been previously curated by ICSL or reported in the Human Gene Mutation Database (HGMD: prior to June 1st, 2018), and was therefore a candidate for classification through an automated scoring system. Utilizing variant allele frequency, disease prevalence and penetrance estimates, and inheritance mode, an automated score was calculated to assess if this variant is too frequent to cause the disease. Based on the score and internal cut-off values, a variant classified as benign is not then subjected to further curation. The score for this variant resulted in a classification of benign for this disease.

Breakthrough Genomics
Classification: Benign. Review status: criteria provided, single submitter. Criteria: ACMG Guidelines, 2015. Collection method: not provided. Allele origin: germline. Inheritance: Autosomal recessive inheritance. Affected: yes.

NM_021926.4(ALX4):c.729G>A (p.Ala243=)

Gene: ALX4 (ALX homeobox 4; minus strand). Cytogenetic location: 11p11.2.
Variant type: single nucleotide variant.
Coding change: c.729G>A on transcript NM_021926.4 (MANE Select); coding-DNA position 729, G replaced by A.
Protein change: p.Ala243=; no amino-acid change (alanine 243 retained).
Molecular consequence: synonymous variant.
Genome position (GRCh38, 1-based): chr11:44,275,396, C>T on the plus strand (G>A on the coding strand, the complement: ALX4 is on the minus strand). VCF-style: chr11-44275396-C-T. GRCh37 (hg19) VCF-style: chr11-44296946-C-T.
Other names: c.729G>A, p.Ala243= (LRG_1256t1).
Identifiers: ClinVar variation 304704 (VCV000304704.16), dbSNP rs11037928, ClinGen allele CA5955668.